The following is an entry in ClinVar:

ClinVar aggregate classification (germline): Uncertain significance (1 of 4 stars; one submission).

Allele frequency attached by ClinVar (database versions not stated): TOPMed below 0.00001; gnomAD exomes 0.00001 and 0.00002.
gnomAD v4.1: 33 of 1,528,066 alleles (0.0022%); highest among the groups gnomAD compares: Non-Finnish European, 0.0029%; no homozygotes.

Submission:

Labcorp Genetics (formerly Invitae), Labcorp
Classification: Uncertain significance. Last evaluated: 2022-03-27. Review status: criteria provided, single submitter. Criteria: Invitae Variant Classification Sherloc (09022015). Collection method: clinical testing. Allele origin: germline.
Comment: In summary, the available evidence is currently insufficient to determine the role of this variant in disease. Therefore, it has been classified as a Variant of Uncertain Significance. Algorithms developed to predict the effect of missense changes on protein structure and function are either unavailable or do not agree on the potential impact of this missense change (SIFT: "Tolerated"; PolyPhen-2: "Not Available"; Align-GVGD: "Class C0"). ClinVar contains an entry for this variant (Variation ID: 1044259). This variant has not been reported in the literature in individuals affected with PDZD7-related conditions. This variant is present in population databases (no rsID available, gnomAD 0.002%). This sequence change replaces glycine, which is neutral and non-polar, with aspartic acid, which is acidic and polar, at codon 787 of the PDZD7 protein (p.Gly787Asp).

NM_001195263.2(PDZD7):c.2360G>A (p.Gly787Asp)

Gene: PDZD7 (PDZ domain containing 7; minus strand). Cytogenetic location: 10q24.31.
Variant type: single nucleotide variant.
Coding change: c.2360G>A on transcript NM_001195263.2 (MANE Select); coding-DNA position 2360, G replaced by A.
Protein change: p.Gly787Asp; replaces glycine 787 with aspartic acid.
Molecular consequence: missense variant.
Genome position (GRCh38, 1-based): chr10:101,010,529, C>T on the plus strand (G>A on the coding strand, the complement: PDZD7 is on the minus strand). VCF-style: chr10-101010529-C-T. GRCh37 (hg19) VCF-style: chr10-102770286-C-T.
Other names: short protein forms G787D.
Identifiers: ClinVar variation 1044259 (VCV001044259.8), dbSNP rs1319411537, ClinGen allele CA378224447.